The following is an entry in ClinVar:

NM_032217.5(ANKRD17):c.5327+3A>T

Gene: ANKRD17 (ankyrin repeat domain 17; minus strand). Cytogenetic location: 4q13.3.
Variant type: single nucleotide variant.
Coding change: c.5327+3A>T on transcript NM_032217.5 (MANE Select); 3 bases into the intron after coding-DNA position 5327, A replaced by T.
Molecular consequence: intron variant.
Genome position (GRCh38, 1-based): chr4:73,094,076, T>A on the plus strand (A>T on the coding strand, the complement: ANKRD17 is on the minus strand). VCF-style: chr4-73094076-T-A. GRCh37 (hg19) VCF-style: chr4-73959793-T-A.
Other names: c.4574+3A>T (NM_198889.3); c.5324+3A>T (NM_015574.2); c.4988+3A>T (NM_001286771.3).
Identifiers: ClinVar variation 3765920 (VCV003765920.1).

ClinVar aggregate classification (germline): Uncertain significance (1 of 4 stars; one submission).

Submission:

GeneDx
Classification: Uncertain significance. Last evaluated: 2024-08-28. Review status: criteria provided, single submitter. Criteria: GeneDx Variant Classification Process June 2021. Collection method: clinical testing. Allele origin: germline. Affected: yes.
Comment: Not observed at significant frequency in large population cohorts (gnomAD); In silico analysis supports a deleterious effect on splicing; Has not been previously published as pathogenic or benign to our knowledge